The following is an entry in ClinVar:

NM_001371727.1(GABRB2):c.45C>G (p.Phe15Leu)

Gene: GABRB2 (gamma-aminobutyric acid type A receptor subunit beta2; minus strand). Cytogenetic location: 5q34.
Variant type: single nucleotide variant.
Coding change: c.45C>G on transcript NM_001371727.1 (MANE Select); coding-DNA position 45, C replaced by G.
Protein change: p.Phe15Leu; replaces phenylalanine 15 with leucine.
Molecular consequence: missense variant.
Genome position (GRCh38, 1-based): chr5:161,546,599, G>C on the plus strand (C>G on the coding strand, the complement: GABRB2 is on the minus strand). VCF-style: chr5-161546599-G-C. GRCh37 (hg19) VCF-style: chr5-160973605-G-C.
Other names: c.45C>G, p.Phe15Leu (NM_000813.3, NM_021911.3); short protein forms F15L.
Identifiers: ClinVar variation 2010168 (VCV002010168.4), dbSNP rs759095506, ClinGen allele CA362172983.

ClinVar aggregate classification (germline): Uncertain significance (1 of 4 stars; one submission).

Conditions:
Intellectual disability. Also called: Intellectual functioning disability; intellectual disabilities; Intellectual developmental disorder. Identifiers: MedGen C3714756, MeSH D008607, MONDO:0001071, HP:0001249.

Submission:

Labcorp Genetics (formerly Invitae), Labcorp
Classification: Uncertain significance for Intellectual disability. Last evaluated: 2022-06-24. Review status: criteria provided, single submitter. Criteria: Invitae Variant Classification Sherloc (09022015). Collection method: clinical testing. Allele origin: germline.
Comment: In summary, the available evidence is currently insufficient to determine the role of this variant in disease. Therefore, it has been classified as a Variant of Uncertain Significance. Advanced modeling of protein sequence and biophysical properties (such as structural, functional, and spatial information, amino acid conservation, physicochemical variation, residue mobility, and thermodynamic stability) performed at Invitae indicates that this missense variant is not expected to disrupt GABRB2 protein function. This variant has not been reported in the literature in individuals affected with GABRB2-related conditions. This variant is not present in population databases (gnomAD no frequency). This sequence change replaces phenylalanine, which is neutral and non-polar, with leucine, which is neutral and non-polar, at codon 15 of the GABRB2 protein (p.Phe15Leu).